The following is an entry in ClinVar:

NM_001329943.3(KIAA0586):c.-20C>T

Gene: KIAA0586 (KIAA0586; plus strand). Cytogenetic location: 14q23.1.
Variant type: single nucleotide variant.
Coding change: c.-20C>T on transcript NM_001329943.3 (MANE Select); 20 bases upstream of the start codon, C replaced by T.
Molecular consequence: 5 prime UTR variant. On other transcripts: missense variant (1), intron variant (6).
Genome position (GRCh38, 1-based): chr14:58,428,245, C>T. VCF-style: chr14-58428245-C-T. GRCh37 (hg19) VCF-style: chr14-58894963-C-T.
Other names: c.17C>T, p.Thr6Ile (NM_001244189.2); c.-20C>T (NM_001329944.2, NM_001329946.2, NM_001329947.2 and 1 more transcripts); c.-38-27C>T (NM_001244190.2); c.-57+608C>T (NM_001244192.2, NM_001244191.2); c.-57+432C>T (NM_001364701.2, NM_001329945.2, NM_001364700.1); short protein forms T6I.
Identifiers: ClinVar variation 2075444 (VCV002075444.4), dbSNP rs2542430097, ClinGen allele CA389858871.
Genomic context (GRCh38, chr14:58,428,245, plus strand): 5'-AAAATTTTGTTCTGAAGTCTTAAGGAAACAGAGAAAGTTTTTCCGTCCTTAAGTGTGGGA[C>T]TTGTTTTGTGACCAACAATATGAAAGGCTCTGAGGTCAGCTTGGAGAAGAAAAAAAAGAT-3'

ClinVar aggregate classification (germline): Uncertain significance (1 of 4 stars; one submission).

Conditions:
Joubert syndrome 23 (JBTS23). Identifiers: Orphanet 475, MedGen C4084822, MONDO:0014664, OMIM 616490.
Short-rib thoracic dysplasia 14 with polydactyly (SRTD14). Identifiers: Orphanet 397715, MedGen C4225286, MONDO:0014688, OMIM 616546.

Allele frequency attached by ClinVar (database versions not stated): gnomAD exomes below 0.00001.
gnomAD v4.1: 1 of 1,610,094 alleles (0.000062%); highest among the groups gnomAD compares: Non-Finnish European, 0.000085%; no homozygotes.

Submission:

Labcorp Genetics (formerly Invitae), Labcorp
Classification: Uncertain significance for Joubert syndrome 23; Short-rib thoracic dysplasia 14 with polydactyly. Last evaluated: 2022-01-05. Review status: criteria provided, single submitter. Criteria: Invitae Variant Classification Sherloc (09022015). Collection method: clinical testing. Allele origin: germline.
Comment: In summary, the available evidence is currently insufficient to determine the role of this variant in disease. Therefore, it has been classified as a Variant of Uncertain Significance. Algorithms developed to predict the effect of missense changes on protein structure and function output the following: SIFT: "Tolerated"; PolyPhen-2: "Probably Damaging"; Align-GVGD: "Class C0". The isoleucine amino acid residue is found in multiple mammalian species, which suggests that this missense change does not adversely affect protein function. This variant has not been reported in the literature in individuals affected with KIAA0586-related conditions. This variant is not present in population databases (gnomAD no frequency). This sequence change replaces threonine, which is neutral and polar, with isoleucine, which is neutral and non-polar, at codon 6 of the KIAA0586 protein (p.Thr6Ile).